The following is an entry in ClinVar:

NC_000016.9:g.(?_143302)_(152085_?)del

Gene: NPRL3 (NPR3 like, GATOR1 complex subunit; minus strand). Cytogenetic location: 16p13.3.
Variant type: Deletion.
Identifiers: ClinVar variation 2423610 (VCV002423610.4).

ClinVar aggregate classification (germline): Pathogenic (1 of 4 stars; one submission).

Conditions:
Epilepsy, familial focal, with variable foci 3 (FFEVF3). Identifiers: MedGen C4310708, MONDO:0014925, OMIM 617118.

Submission:

Labcorp Genetics (formerly Invitae), Labcorp
Classification: Pathogenic for Epilepsy, familial focal, with variable foci 3. Last evaluated: 2022-02-26. Review status: criteria provided, single submitter. Criteria: Invitae Variant Classification Sherloc (09022015). Collection method: clinical testing. Allele origin: germline.
Comment: For these reasons, this variant has been classified as Pathogenic. This variant disrupts a region of the NPRL3 protein in which other variant(s) (Deletion (Exon 8)) have been determined to be pathogenic (Invitae). This suggests that this is a clinically significant region of the protein, and that variants that disrupt it are likely to be disease-causing. This variant has not been reported in the literature in individuals affected with NPRL3-related conditions. This variant results in the deletion of exons 8-9 and part of exon 10 (c.630-1578_946del) of the NPRL3 gene. It is expected to disrupt RNA splicing. Variants that disrupt the donor or acceptor splice site typically lead to a loss of protein function (PMID: 16199547), and loss-of-function variants in NPRL3 are known to be pathogenic (PMID: 26285051, 26505888).

Literature cited by the submitters: PubMed 16199547; PubMed 26285051; PubMed 26505888.